The following is an entry in ClinVar:

NM_002180.3(IGHMBP2):c.2730C>G (p.Gly910=)

Gene: IGHMBP2 (immunoglobulin mu DNA binding protein 2; plus strand). Cytogenetic location: 11q13.3.
Variant type: single nucleotide variant.
Coding change: c.2730C>G on transcript NM_002180.3 (MANE Select); coding-DNA position 2730, C replaced by G.
Protein change: p.Gly910=; no amino-acid change (glycine 910 retained).
Molecular consequence: synonymous variant.
Genome position (GRCh38, 1-based): chr11:68,938,300, C>G. VCF-style: chr11-68938300-C-G. GRCh37 (hg19) VCF-style: chr11-68705768-C-G.
Identifiers: ClinVar variation 194370 (VCV000194370.26), dbSNP rs139416105, ClinGen allele CA201145.
Genomic context (GRCh38, chr11:68,938,300, plus strand): 5'-CGTTAAGGCTGATAACACCTGCGGCTTTGCCAAGTGCACAGCCGGCGTCACAACCCTGGG[C>G]CAGTTCTGCCAGCTCTGCAGCCGCCGCTACTGCCTCAGCCACCACCTGCCCGAGGTATGT-3'
Protein context (NP_002171.2, residues 900-920): AKCTAGVTTL[Gly910=]QFCQLCSRRY

ClinVar aggregate classification (germline): Benign/Likely benign. Review status: criteria provided, multiple submitters, no conflicts (2 of 4 stars). 8 submissions from 8 submitters: Benign (2); Likely benign (5). 1 of the submissions does not count toward it. Last evaluated 2026-01-19.

Conditions:
IGHMBP2-related disorder. Also called: IGHMBP2-related disorders; IGHMBP2-related condition.
Charcot-Marie-Tooth disease axonal type 2S. Also called: CHARCOT-MARIE-TOOTH DISEASE, AXONAL, AUTOSOMAL RECESSIVE, TYPE 2S; CHARCOT-MARIE-TOOTH NEUROPATHY, TYPE 2S. Identifiers: Orphanet 443073, MedGen C4015349, MONDO:0014511, OMIM 616155.
Autosomal recessive distal spinal muscular atrophy 1. Also called: NEURONOPATHY, SEVERE INFANTILE AXONAL, WITH RESPIRATORY FAILURE; SEVERE INFANTILE AXONAL NEUROPATHY WITH RESPIRATORY FAILURE; SPINAL MUSCULAR ATROPHY, DIAPHRAGMATIC; Spinal muscular atrophy with respiratory distress 1; HMN VI; NEURONOPATHY, DISTAL HEREDITARY MOTOR, HARDING TYPE VI. Identifiers: Orphanet 98920, MedGen C1858517, MONDO:0011436, OMIM 604320.
Charcot-Marie-Tooth disease. Also called: Charcot-Marie-Tooth Hereditary Neuropathy; Charcot-Marie-Tooth Neuropathy. Identifiers: Orphanet 166, MedGen C0007959, MONDO:0015626.
Inborn genetic diseases. Identifiers: MedGen C0950123, MeSH D030342.

Allele frequency attached by ClinVar (database versions not stated): gnomAD exomes 0.00011 and 0.00027; ExAC 0.00039; gnomAD 0.00117 and 0.00128; TOPMed 0.00128; ESP Exome Variant Server 0.00131; 1000 Genomes Project 0.00200; 1000 Genomes Project 30x 0.00203.
gnomAD v4.1: 337 of 1,612,802 alleles (0.021%); highest among the groups gnomAD compares: African/African-American, 0.41%; 2 homozygotes.

Submissions (8):

Labcorp Genetics (formerly Invitae), Labcorp
Classification: Benign for Autosomal recessive distal spinal muscular atrophy 1; Charcot-Marie-Tooth disease axonal type 2S. Last evaluated: 2026-01-19. Review status: criteria provided, single submitter. Criteria: Invitae Variant Classification Sherloc (09022015). Collection method: clinical testing. Allele origin: germline.

Blueprint Genetics
Classification: Likely benign. Last evaluated: 2024-08-28. Review status: criteria provided, single submitter. Criteria: ACMG Guidelines, 2015. Collection method: clinical testing. Allele origin: germline.

Ambry Genetics
Classification: Likely benign for Inborn genetic diseases. Last evaluated: 2019-07-11. Review status: criteria provided, single submitter. Criteria: Ambry Variant Classification Scheme 2023. Collection method: clinical testing. Allele origin: germline.

GeneDx
Classification: Likely benign. Last evaluated: 2019-04-02. Review status: criteria provided, single submitter. Criteria: GeneDx Variant Classification Process June 2021. Collection method: clinical testing. Allele origin: germline. Affected: yes.

Eurofins Ntd Llc (ga)
Classification: Benign. Last evaluated: 2015-03-06. Review status: criteria provided, single submitter. Criteria: EGL Classification Definitions 2015. Collection method: clinical testing. Allele origin: germline. Observed: 1 variant allele, 1 heterozygote.

Breakthrough Genomics
Classification: Likely benign. Review status: criteria provided, single submitter. Criteria: ACMG Guidelines, 2015. Collection method: not provided. Allele origin: germline. Inheritance: Autosomal recessive inheritance. Affected: yes.

Molecular Genetics Laboratory, London Health Sciences Centre
Classification: Likely benign for Charcot-Marie-Tooth disease. Review status: criteria provided, single submitter. Criteria: ACMG Guidelines, 2015. Collection method: clinical testing. Allele origin: germline. Affected: yes.

PreventionGenetics, part of Exact Sciences
Classification: Likely benign for IGHMBP2-related condition. Last evaluated: 2019-06-18. Review status: no assertion criteria provided. Collection method: clinical testing. Allele origin: germline. Not counted in ClinVar's aggregate classification.
Comment: This variant is classified as likely benign based on ACMG/AMP sequence variant interpretation guidelines (Richards et al. 2015 PMID: 25741868, with internal and published modifications).